The following is an entry in ClinVar:

ClinVar aggregate classification (germline): Uncertain significance (1 of 4 stars; one submission).

Allele frequency attached by ClinVar (database versions not stated): gnomAD exomes below 0.00001.
gnomAD v4.1: 4 of 1,613,888 alleles (0.00025%); highest among the groups gnomAD compares: Non-Finnish European, 0.00034%; no homozygotes.

Submission:

Labcorp Genetics (formerly Invitae), Labcorp
Classification: Uncertain significance. Last evaluated: 2023-11-06. Review status: criteria provided, single submitter. Criteria: Invitae Variant Classification Sherloc (09022015). Collection method: clinical testing. Allele origin: germline.
Comment: This sequence change replaces threonine, which is neutral and polar, with isoleucine, which is neutral and non-polar, at codon 1768 of the PHIP protein (p.Thr1768Ile). This variant is not present in population databases (gnomAD no frequency). This variant has not been reported in the literature in individuals affected with PHIP-related conditions. Advanced modeling of protein sequence and biophysical properties (such as structural, functional, and spatial information, amino acid conservation, physicochemical variation, residue mobility, and thermodynamic stability) performed at Invitae indicates that this missense variant is not expected to disrupt PHIP protein function with a negative predictive value of 80%. In summary, the available evidence is currently insufficient to determine the role of this variant in disease. Therefore, it has been classified as a Variant of Uncertain Significance.

NM_017934.7(PHIP):c.5303C>T (p.Thr1768Ile)

Genes: IRAK1BP1 (interleukin 1 receptor associated kinase 1 binding protein 1; plus strand), PHIP (PHIP subunit of CUL4-Ring ligase complex; minus strand). Cytogenetic location: 6q14.1.
Variant type: single nucleotide variant.
Coding change: c.5303C>T on transcript NM_017934.7 (MANE Select); coding-DNA position 5303, C replaced by T.
Protein change: p.Thr1768Ile; replaces threonine 1768 with isoleucine.
Molecular consequence: missense variant.
Genome position (GRCh38, 1-based): chr6:78,940,856, G>A on the plus strand (C>T on the coding strand, the complement: PHIP is on the minus strand). VCF-style: chr6-78940856-G-A. GRCh37 (hg19) VCF-style: chr6-79650573-G-A.
Other names: short protein forms T1768I.
Identifiers: ClinVar variation 2693610 (VCV002693610.3), dbSNP rs2481764227, ClinGen allele CA364632596.